The following is an entry in ClinVar:

ClinVar aggregate classification (germline): Uncertain significance. Review status: criteria provided, multiple submitters, no conflicts (2 of 4 stars). 2 submissions from 2 submitters: Uncertain significance (2). Last evaluated 2025-12-21.

Conditions:
Parathyroid carcinoma (PRTC). Also called: CDC73-Related Parathyroid Carcinoma; Parathyroid gland carcinoma. Identifiers: Orphanet 143, MedGen C0687150, MONDO:0012004, OMIM 608266, HP:0006780.
Hereditary cancer-predisposing syndrome. Also called: Hereditary Cancer Syndrome; Tumor predisposition; Neoplastic Syndromes, Hereditary; Hereditary neoplastic syndrome. Identifiers: Orphanet 140162, MedGen C0027672, MeSH D009386, MONDO:0015356.

Allele frequency attached by ClinVar (database versions not stated): TOPMed below 0.00001; gnomAD exomes below 0.00001.
gnomAD v4.1: 3 of 1,613,648 alleles (0.00019%); highest among the groups gnomAD compares: Non-Finnish European, 0.00025%; no homozygotes.

Submissions (2):

Ambry Genetics
Classification: Uncertain significance for Hereditary cancer-predisposing syndrome. Last evaluated: 2025-12-21. Review status: criteria provided, single submitter. Criteria: Ambry Variant Classification Scheme 2023. Collection method: clinical testing. Allele origin: germline.
Comment: The p.P339L variant (also known as c.1016C>T), located in coding exon 11 of the CDC73 gene, results from a C to T substitution at nucleotide position 1016. The proline at codon 339 is replaced by leucine, an amino acid with similar properties. This amino acid position is highly conserved in available vertebrate species. In addition, the in silico prediction for this alteration is inconclusive. Since supporting evidence is limited at this time, the clinical significance of this alteration remains unclear.

Labcorp Genetics (formerly Invitae), Labcorp
Classification: Uncertain significance for Parathyroid carcinoma. Last evaluated: 2024-06-28. Review status: criteria provided, single submitter. Criteria: Invitae Variant Classification Sherloc (09022015). Collection method: clinical testing. Allele origin: germline.
Comment: This sequence change replaces proline, which is neutral and non-polar, with leucine, which is neutral and non-polar, at codon 339 of the CDC73 protein (p.Pro339Leu). This variant is present in population databases (no rsID available, gnomAD 0.0009%). This variant has not been reported in the literature in individuals affected with CDC73-related conditions. ClinVar contains an entry for this variant (Variation ID: 846455). Advanced modeling of protein sequence and biophysical properties (such as structural, functional, and spatial information, amino acid conservation, physicochemical variation, residue mobility, and thermodynamic stability) performed at Invitae indicates that this missense variant is not expected to disrupt CDC73 protein function with a negative predictive value of 80%. In summary, the available evidence is currently insufficient to determine the role of this variant in disease. Therefore, it has been classified as a Variant of Uncertain Significance.

NM_024529.5(CDC73):c.1016C>T (p.Pro339Leu)

Gene: CDC73 (cell division cycle 73; plus strand). Cytogenetic location: 1q31.2.
Variant type: single nucleotide variant.
Coding change: c.1016C>T on transcript NM_024529.5 (MANE Select); coding-DNA position 1016, C replaced by T.
Protein change: p.Pro339Leu; replaces proline 339 with leucine.
Molecular consequence: missense variant.
Genome position (GRCh38, 1-based): chr1:193,203,838, C>T. VCF-style: chr1-193203838-C-T. GRCh37 (hg19) VCF-style: chr1-193172968-C-T.
Other names: short protein forms P339L.
Identifiers: ClinVar variation 846455 (VCV000846455.14), dbSNP rs1060500018, ClinGen allele CA344076165.
Genomic context (GRCh38, chr1:193,203,838, plus strand): 5'-TTCTTATTCTTTTAAAGGAGGGTGCATCTGCCCGGAAGACTCAGACTCCTGCAGCCCAGC[C>T]AGTACCAAGACCAGGTAGAAATATAGAACTTTGCTTTTTGTTTTCTTTCAAAAGATCGTA-3'
Protein context (NP_078805.3, residues 329-349): ARKTQTPAAQ[Pro339Leu]VPRPVSQARP